The following is an entry in ClinVar:

ClinVar aggregate classification (germline): Pathogenic (1 of 4 stars; one submission).

Submission:

Labcorp Genetics (formerly Invitae), Labcorp
Classification: Pathogenic. Last evaluated: 2024-11-21. Review status: criteria provided, single submitter. Criteria: Invitae Variant Classification Sherloc (09022015). Collection method: clinical testing. Allele origin: germline.
Comment: This sequence change creates a premature translational stop signal (p.Pro1086Argfs*62) in the SBF1 gene. It is expected to result in an absent or disrupted protein product. Loss-of-function variants in SBF1 are known to be pathogenic (PMID: 28005197, 28902413). This variant is not present in population databases (gnomAD no frequency). This variant has not been reported in the literature in individuals affected with SBF1-related conditions. For these reasons, this variant has been classified as Pathogenic.

Literature cited by the submitters: PubMed 28005197; PubMed 28902413.

NM_002972.4(SBF1):c.3257_3258del (p.Pro1086fs)

Gene: SBF1 (SET binding factor 1; minus strand). Cytogenetic location: 22q13.33.
Variant type: Deletion.
Coding change: c.3257_3258del on transcript NM_002972.4 (MANE Select); coding-DNA positions 3257 to 3258, 2 bases deleted (CT; older notation c.3257_3258delCT).
Protein change: p.Pro1086fs; shifts the reading frame from proline 1086.
Molecular consequence: frameshift variant.
Genome position (GRCh38, 1-based): chr22:50,460,297-50,460,298, AG deleted on the plus strand (CT on the coding strand, the reverse complement: SBF1 is on the minus strand). VCF-style (leftmost placement, unchanged base first): chr22-50460296-CAG-C. GRCh37 (hg19) VCF-style: chr22-50898725-CAG-C.
Other names: c.3260_3261del, p.Pro1087fs (NM_001365819.1, NM_001410794.1); c.3257_3258del, p.Pro1086fs (NM_001410795.1); short protein forms P1087fs, P1086fs.
Identifiers: ClinVar variation 3698557 (VCV003698557.2).